The following is an entry in ClinVar:

ClinVar aggregate classification (germline): Likely pathogenic (1 of 4 stars; one submission).

Conditions:
Hereditary spastic paraplegia 7 (SPG7). Also called: Autosomal recessive spastic paraplegia type 7; SPASTIC PARAPLEGIA 7, AUTOSOMAL RECESSIVE, WITH OR WITHOUT CEREBELLAR ATAXIA; Spastic paraplegia 7; Hereditary spastic paraplegia Paraplegin type; SPG7-related neurologic disorder. Identifiers: Orphanet 99013, MedGen C1846564, MONDO:0011803, OMIM 607259.

Submission:

Labcorp Genetics (formerly Invitae), Labcorp
Classification: Likely pathogenic for Hereditary spastic paraplegia 7. Last evaluated: 2023-08-29. Review status: criteria provided, single submitter. Criteria: Invitae Variant Classification Sherloc (09022015). Collection method: clinical testing. Allele origin: germline.
Comment: In summary, the currently available evidence indicates that the variant is pathogenic, but additional data are needed to prove that conclusively. Therefore, this variant has been classified as Likely Pathogenic. Algorithms developed to predict the effect of sequence changes on RNA splicing suggest that this variant may disrupt the consensus splice site. Disruption of this splice site has been observed in individual(s) with hereditary spastic paraplegia (PMID: 32140910). This variant is not present in population databases (gnomAD no frequency). This sequence change affects an acceptor splice site in intron 15 of the SPG7 gene. It is expected to disrupt RNA splicing. Variants that disrupt the donor or acceptor splice site typically lead to a loss of protein function (PMID: 16199547), and loss-of-function variants in SPG7 are known to be pathogenic (PMID: 21623769, 22964162).

Literature cited by the submitters: PubMed 32140910; PubMed 16199547; PubMed 21623769; PubMed 22964162.

NM_003119.4(SPG7):c.2104-1G>C

Gene: SPG7 (SPG7 matrix AAA peptidase subunit, paraplegin; plus strand). Cytogenetic location: 16q24.3.
Variant type: single nucleotide variant.
Coding change: c.2104-1G>C on transcript NM_003119.4 (MANE Select); the canonical splice acceptor site of the intron before coding-DNA position 2104, G replaced by C.
Molecular consequence: splice acceptor variant.
Genome position (GRCh38, 1-based): chr16:89,554,485, G>C. VCF-style: chr16-89554485-G-C. GRCh37 (hg19) VCF-style: chr16-89620893-G-C.
Other names: c.2104-1G>C (NM_001363850.1).
Identifiers: ClinVar variation 2744167 (VCV002744167.3), dbSNP rs2543851938, ClinGen allele CA397434574.